The following is an entry in ClinVar:

NM_015330.6(SPECC1L):c.741_745delinsAA (p.Glu248_Gln249delinsLys)

Genes: SPECC1L (sperm antigen with calponin homology and coiled-coil domains 1 like; plus strand), SPECC1L-ADORA2A (SPECC1L-ADORA2A readthrough (NMD candidate); plus strand). Cytogenetic location: 22q11.23.
Variant type: Indel.
Coding change: c.741_745delinsAA on transcript NM_015330.6 (MANE Select); coding-DNA positions 741 to 745, GGAAC replaced by AA.
Protein change: p.Glu248_Gln249delinsLys.
Molecular consequence: inframe indel. On other transcripts: non-coding transcript variant (1).
Genome position (GRCh38, 1-based): chr22:24,321,721-24,321,725, GGAAC replaced by AA. VCF-style: chr22-24321721-GGAAC-AA. GRCh37 (hg19) VCF-style: chr22-24717689-GGAAC-AA.
Other names: c.741_745delinsAA, p.Glu248_Gln249delinsLys (NM_001145468.4, NM_001254732.3).
Identifiers: ClinVar variation 4681024 (VCV004681024.1).

ClinVar aggregate classification (germline): Uncertain significance (1 of 4 stars; one submission).

Submission:

GeneDx
Classification: Uncertain significance. Last evaluated: 2025-06-27. Review status: criteria provided, single submitter. Criteria: GeneDx Variant Classification Process June 2021. Collection method: clinical testing. Allele origin: germline. Affected: yes.
Comment: Not observed at significant frequency in large population cohorts (gnomAD); In-frame deletion of 2 amino acids and insertion of 1 different amino acid in a non-repeat region; In silico analysis suggests that this variant does not alter protein structure/function; Has not been previously published as pathogenic or benign to our knowledge